The following is an entry in ClinVar:

NM_001099289.3(SH3RF3):c.4C>G (p.Leu2Val)

Genes: RANBP2 (RAN binding protein 2; plus strand), SH3RF3 (SH3 domain containing ring finger 3; plus strand), SH3RF3-AS1 (SH3RF3 antisense RNA 1; minus strand). Cytogenetic location: 2q13.
Variant type: single nucleotide variant.
Coding change: c.4C>G on transcript NM_001099289.3 (MANE Select); coding-DNA position 4, C replaced by G.
Protein change: p.Leu2Val; replaces leucine 2 with valine.
Molecular consequence: missense variant. On other transcripts: non-coding transcript variant (1).
Genome position (GRCh38, 1-based): chr2:109,129,544, C>G. VCF-style: chr2-109129544-C-G. GRCh37 (hg19) VCF-style: chr2-109746000-C-G.
Other names: short protein forms L2V.
Identifiers: ClinVar variation 4832913 (VCV004832913.1).
Genomic context (GRCh38, chr2:109,129,544, plus strand): 5'-TCCACGCCGGCCCCGGGACCTAGGCAGCCGCGCGAGACCGCTGCGGGCGCCTCCCCCATG[C>G]TGCTCGGAGCGTCCTGGCTGTGCGCATCCAAGGCGGCCGCCGCTGCTGCGCAGAGCGAGG-3'
Protein context (NP_001092759.1, residues 1-12): M[Leu2Val]LGASWLCASK

ClinVar aggregate classification (germline): Uncertain significance (1 of 4 stars; one submission).

gnomAD v4.1: 11 of 1,495,756 alleles (0.00074%); highest among the groups gnomAD compares: Non-Finnish European, 0.0008%; no homozygotes.

Submission:

Ambry Genetics
Classification: Uncertain significance. Last evaluated: 2025-12-16. Review status: criteria provided, single submitter. Criteria: Ambry Variant Classification Scheme 2023. Collection method: clinical testing. Allele origin: germline.
Comment: The c.4C>G (p.L2V) alteration is located in exon (coding exon ) of the SH3RF3 gene. This alteration results from a C to G substitution at nucleotide position 4, causing the leucine (L) at amino acid position 2 to be replaced by a valine (V). Based on insufficient or conflicting evidence, the clinical significance of this alteration remains unclear.